The following is an entry in ClinVar:

ClinVar aggregate classification (germline): Likely benign. Review status: criteria provided, multiple submitters, no conflicts (2 of 4 stars). 3 submissions from 3 submitters: Likely benign (3). Last evaluated 2024-11-09.

Conditions:
Inborn genetic diseases. Identifiers: MedGen C0950123, MeSH D030342.
KBG syndrome (KBGS). Also called: ANKRD11-Related KBG Syndrome. Identifiers: Orphanet 2332, MedGen C0220687, MONDO:0007846, OMIM 148050.

gnomAD v4.1: 44 of 1,599,824 alleles (0.0028%); highest among the groups gnomAD compares: Non-Finnish European, 0.0034%; no homozygotes.

Submissions (3):

Ambry Genetics
Classification: Likely benign for Inborn genetic diseases. Last evaluated: 2024-11-09. Review status: criteria provided, single submitter. Criteria: Ambry Variant Classification Scheme 2023. Collection method: clinical testing. Allele origin: germline.

Labcorp Genetics (formerly Invitae), Labcorp
Classification: Likely benign for KBG syndrome. Last evaluated: 2023-12-25. Review status: criteria provided, single submitter. Criteria: Invitae Variant Classification Sherloc (09022015). Collection method: clinical testing. Allele origin: germline.

CeGaT Center for Human Genetics Tuebingen
Classification: Likely benign. Last evaluated: 2022-05-01. Review status: criteria provided, single submitter. Criteria: CeGaT Center For Human Genetics Tuebingen Variant Classification Criteria Version 2. Collection method: clinical testing. Allele origin: germline. Affected: yes. Observed: 1 variant allele.
Comment: ANKRD11: BP4, BP7

NM_013275.6(ANKRD11):c.5631G>A (p.Pro1877=)

Gene: ANKRD11 (ankyrin repeat domain 11; minus strand). Cytogenetic location: 16q24.3.
Variant type: single nucleotide variant.
Coding change: c.5631G>A on transcript NM_013275.6 (MANE Select); coding-DNA position 5631, G replaced by A.
Protein change: p.Pro1877=; no amino-acid change (proline 1877 retained).
Molecular consequence: synonymous variant.
Genome position (GRCh38, 1-based): chr16:89,280,911, C>T on the plus strand (G>A on the coding strand, the complement: ANKRD11 is on the minus strand). VCF-style: chr16-89280911-C-T. GRCh37 (hg19) VCF-style: chr16-89347319-C-T.
Other names: c.5631G>A (NM_013275.4); c.5631G>A, p.Pro1877= (NM_001256182.2, NM_001256183.2).
Identifiers: ClinVar variation 2647063 (VCV002647063.28), dbSNP rs746553463, ClinGen allele CA286513640.